The following is an entry in ClinVar:

ClinVar aggregate classification (germline): Uncertain significance. Review status: criteria provided, multiple submitters, no conflicts (2 of 4 stars). 3 submissions from 3 submitters: Uncertain significance (3). Last evaluated 2025-10-10.

Conditions:
Prostate cancer, hereditary, 9 (HPC9). Identifiers: Orphanet 1331, MedGen C1970250, MONDO:0012597, OMIM 610997.
Hereditary cancer-predisposing syndrome. Also called: Neoplastic Syndromes, Hereditary; Tumor predisposition; Hereditary Cancer Syndrome; Hereditary neoplastic syndrome. Identifiers: Orphanet 140162, MedGen C0027672, MeSH D009386, MONDO:0015356.

Allele frequency attached by ClinVar (database versions not stated): gnomAD exomes below 0.00001; ExAC 0.00001.
gnomAD v4.1: 5 of 1,614,148 alleles (0.00031%); highest among the groups gnomAD compares: Non-Finnish European, 0.00042%; no homozygotes.

Submissions (3):

Ambry Genetics
Classification: Uncertain significance for Hereditary cancer-predisposing syndrome. Last evaluated: 2025-10-10. Review status: criteria provided, single submitter. Criteria: Ambry Variant Classification Scheme 2023. Collection method: clinical testing. Allele origin: germline.
Comment: The p.A103V variant (also known as c.308C>T), located in coding exon 1 of the HOXB13 gene, results from a C to T substitution at nucleotide position 308. The alanine at codon 103 is replaced by valine, an amino acid with similar properties. This amino acid position is not well conserved in available vertebrate species. In addition, this alteration is predicted to be tolerated by in silico analysis. Since supporting evidence is limited at this time, the clinical significance of this alteration remains unclear.

Labcorp Genetics (formerly Invitae), Labcorp
Classification: Uncertain significance. Last evaluated: 2025-09-19. Review status: criteria provided, single submitter. Criteria: Invitae Variant Classification Sherloc (09022015). Collection method: clinical testing. Allele origin: germline.
Comment: This sequence change replaces alanine, which is neutral and non-polar, with valine, which is neutral and non-polar, at codon 103 of the HOXB13 protein (p.Ala103Val). This variant is present in population databases (rs760196832, gnomAD 0.0009%). This variant has not been reported in the literature in individuals affected with HOXB13-related conditions. ClinVar contains an entry for this variant (Variation ID: 1000173). Invitae Evidence Modeling of protein sequence and biophysical properties (such as structural, functional, and spatial information, amino acid conservation, physicochemical variation, residue mobility, and thermodynamic stability) indicates that this missense variant is not expected to disrupt HOXB13 protein function with a negative predictive value of 80%. In summary, the available evidence is currently insufficient to determine the role of this variant in disease. Therefore, it has been classified as a Variant of Uncertain Significance.

Department of Pathology and Laboratory Medicine, Sinai Health System
Classification: Uncertain significance for Prostate cancer, hereditary, 9. Last evaluated: 2022-01-24. Review status: criteria provided, single submitter. Criteria: ACMG Guidelines, 2015. Collection method: clinical testing. Allele origin: germline. Affected: yes.

NM_006361.6(HOXB13):c.308C>T (p.Ala103Val)

Gene: HOXB13 (homeobox B13; minus strand). Cytogenetic location: 17q21.32.
Variant type: single nucleotide variant.
Coding change: c.308C>T on transcript NM_006361.6 (MANE Select); coding-DNA position 308, C replaced by T.
Protein change: p.Ala103Val; replaces alanine 103 with valine.
Molecular consequence: missense variant.
Genome position (GRCh38, 1-based): chr17:48,728,286, G>A on the plus strand (C>T on the coding strand, the complement: HOXB13 is on the minus strand). VCF-style: chr17-48728286-G-A. GRCh37 (hg19) VCF-style: chr17-46805648-G-A.
Other names: short protein forms A103V.
Identifiers: ClinVar variation 1000173 (VCV001000173.14), dbSNP rs760196832, ClinGen allele CA8634019.